The following is an entry in ClinVar:

ClinVar aggregate classification (germline): Uncertain significance (1 of 4 stars; one submission).

Allele frequency attached by ClinVar (database versions not stated): gnomAD exomes 0.00001; ExAC 0.00002.
gnomAD v4.1: 11 of 1,614,128 alleles (0.00068%); highest among the groups gnomAD compares: Non-Finnish European, 0.00093%; no homozygotes.

Submission:

Labcorp Genetics (formerly Invitae), Labcorp
Classification: Uncertain significance. Last evaluated: 2025-05-05. Review status: criteria provided, single submitter. Criteria: Invitae Variant Classification Sherloc (09022015). Collection method: clinical testing. Allele origin: germline.
Comment: This sequence change replaces isoleucine, which is neutral and non-polar, with threonine, which is neutral and polar, at codon 33 of the LARS2 protein (p.Ile33Thr). This variant is present in population databases (rs779796862, gnomAD 0.004%). This variant has not been reported in the literature in individuals affected with LARS2-related conditions. ClinVar contains an entry for this variant (Variation ID: 2181178). An algorithm developed to predict the effect of missense changes on protein structure and function outputs the following: PolyPhen-2: "Benign". The threonine amino acid residue is found in multiple mammalian species, which suggests that this missense change does not adversely affect protein function. In summary, the available evidence is currently insufficient to determine the role of this variant in disease. Therefore, it has been classified as a Variant of Uncertain Significance.

NM_015340.4(LARS2):c.98T>C (p.Ile33Thr)

Gene: LARS2 (leucyl-tRNA synthetase 2, mitochondrial; plus strand). Cytogenetic location: 3p21.31.
Variant type: single nucleotide variant.
Coding change: c.98T>C on transcript NM_015340.4 (MANE Select); coding-DNA position 98, T replaced by C.
Protein change: p.Ile33Thr; replaces isoleucine 33 with threonine.
Molecular consequence: missense variant.
Genome position (GRCh38, 1-based): chr3:45,394,551, T>C. VCF-style: chr3-45394551-T-C. GRCh37 (hg19) VCF-style: chr3-45436043-T-C.
Other names: c.98T>C, p.Ile33Thr (NM_001368263.1); short protein forms I33T.
Identifiers: ClinVar variation 2181178 (VCV002181178.4), dbSNP rs779796862, ClinGen allele CA2349194.